The following is an entry in ClinVar:

NM_001040142.2(SCN2A):c.1269G>A (p.Val423=)

Gene: SCN2A (sodium voltage-gated channel alpha subunit 2; plus strand). Cytogenetic location: 2q24.3.
Variant type: single nucleotide variant.
Coding change: c.1269G>A on transcript NM_001040142.2 (MANE Select); coding-DNA position 1269, G replaced by A.
Protein change: p.Val423=; no amino-acid change (valine 423 retained).
Molecular consequence: synonymous variant.
Genome position (GRCh38, 1-based): chr2:165,313,994, G>A. VCF-style: chr2-165313994-G-A. GRCh37 (hg19) VCF-style: chr2-166170504-G-A.
Other names: p.V423V:GTG>GTA; c.1269G>A, p.Val423= (NM_001040143.2, NM_001371246.1, NM_001371247.1 and 1 more transcripts).
Identifiers: ClinVar variation 130211 (VCV000130211.29), dbSNP rs139815570, ClinGen allele CA289013.

ClinVar aggregate classification (germline): Conflicting classifications of pathogenicity. Review status: criteria provided, conflicting classifications (1 of 4 stars). 8 submissions from 8 submitters: Uncertain significance (1); Benign (6); Likely benign (1). Last evaluated 2026-02-03.

Conditions:
Developmental and epileptic encephalopathy, 11 (DEE11). Also called: Early infantile epileptic encephalopathy 11. Identifiers: Orphanet 1934, MedGen C3150987, MONDO:0013388, OMIM 613721.
Seizures, benign familial infantile, 3 (BFIS3). Also called: CONVULSIONS, BENIGN FAMILIAL INFANTILE, 3; Familial neonatal seizures. Identifiers: Orphanet 140927, Orphanet 306, MedGen C1843140, MONDO:0011904, OMIM 607745.
Episodic ataxia, type 9. Identifiers: MedGen C5394520, MONDO:0030064, OMIM 618924.
Inborn genetic diseases. Identifiers: MedGen C0950123, MeSH D030342.

Allele frequency attached by ClinVar (database versions not stated): gnomAD exomes 0.00069 and 0.00168; ExAC 0.00228; gnomAD 0.00624 and 0.00662; TOPMed 0.00699; ESP Exome Variant Server 0.00753; 1000 Genomes Project 0.01078; 1000 Genomes Project 30x 0.01140.
gnomAD v4.1: 2,023 of 1,613,810 alleles (0.13%); highest among the groups gnomAD compares: African/African-American, 2.1%; 26 homozygotes.

Submissions (8):

Labcorp Genetics (formerly Invitae), Labcorp
Classification: Benign for Seizures, benign familial infantile, 3; Developmental and epileptic encephalopathy, 11. Last evaluated: 2026-02-03. Review status: criteria provided, single submitter. Criteria: Invitae Variant Classification Sherloc (09022015). Collection method: clinical testing. Allele origin: germline.

ARUP Laboratories, Molecular Genetics and Genomics, ARUP Laboratories
Classification: Benign. Last evaluated: 2025-03-06. Review status: criteria provided, single submitter. Criteria: ARUP Molecular Germline Variant Investigation Process 2024. Collection method: clinical testing. Allele origin: germline.

Athena Diagnostics
Classification: Benign. Last evaluated: 2024-07-05. Review status: criteria provided, single submitter. Criteria: Athena Diagnostics Criteria. Collection method: clinical testing. Allele origin: unknown.

Illumina Laboratory Services, Illumina
Classification: Benign for Seizures, benign familial infantile, 3. Last evaluated: 2018-01-12. Review status: criteria provided, single submitter. Criteria: ICSL Variant Classification Criteria 13 December 2019. Collection method: clinical testing. Allele origin: germline.
Comment: This variant was observed in the ICSL laboratory as part of a predisposition screen in an ostensibly healthy population. It had not been previously curated by ICSL or reported in the Human Gene Mutation Database (HGMD: prior to June 1st, 2018), and was therefore a candidate for classification through an automated scoring system. Utilizing variant allele frequency, disease prevalence and penetrance estimates, and inheritance mode, an automated score was calculated to assess if this variant is too frequent to cause the disease. Based on the score and internal cut-off values, a variant classified as benign is not then subjected to further curation. The score for this variant resulted in a classification of benign for this disease.

Ambry Genetics
Classification: Benign for Inborn genetic diseases. Last evaluated: 2016-06-18. Review status: criteria provided, single submitter. Criteria: Ambry Variant Classification Scheme 2023. Collection method: clinical testing. Allele origin: germline.

Genetic Services Laboratory, University of Chicago
Classification: Uncertain significance. Last evaluated: 2013-04-15. Review status: criteria provided, single submitter. Criteria: ACMG Guidelines, 2007. Collection method: clinical testing. Allele origin: germline. Inheritance: Autosomal dominant inheritance.

GeneDx
Classification: Benign. Last evaluated: 2013-01-15. Review status: criteria provided, single submitter. Criteria: GeneDx Variant Classification (06012015). Collection method: clinical testing. Allele origin: germline. Affected: yes.
Comment: This variant is considered likely benign or benign based on one or more of the following criteria: it is a conservative change, it occurs at a poorly conserved position in the protein, it is predicted to be benign by multiple in silico algorithms, and/or has population frequency not consistent with disease.

Center for Genomics, Ann and Robert H. Lurie Children's Hospital of Chicago
Classification: Likely benign for Seizures, benign familial infantile, 3; Developmental and epileptic encephalopathy, 11; Episodic ataxia, type 9. Review status: criteria provided, single submitter. Criteria: ACMG Guidelines, 2015. Collection method: clinical testing. Allele origin: germline.
Comment: This variant has not been reported in the literature but is present in the Genome Aggregation Database (Highest reported MAF 2% (852/41418) including 16 homozygotes. This variant is present in ClinVar with several labs classifying this variant as Benign (Variation ID:130211). Evolutionary conservation and computational predictive tools for this variant are limited or unavailable. Of note, this variant is a silent variant and does not change the amino acid, reducing the probability that this variant is disease causing. In summary, data on this variant suggests that this variant does not cause disease but requires further evidence. Therefore, this variant is classified as likely benign.

Literature cited by the submitters: PubMed 27456059 (cited by Athena Diagnostics).